The following is an entry in ClinVar:

NM_000038.6(APC):c.5942A>G (p.Asn1981Ser)

Gene: APC (APC regulator of Wnt signaling pathway; plus strand). Cytogenetic location: 5q22.2.
Variant type: single nucleotide variant.
Coding change: c.5942A>G on transcript NM_000038.6 (MANE Select); coding-DNA position 5942, A replaced by G.
Protein change: p.Asn1981Ser; replaces asparagine 1981 with serine.
Molecular consequence: missense variant.
Genome position (GRCh38, 1-based): chr5:112,841,536, A>G. VCF-style: chr5-112841536-A-G. GRCh37 (hg19) VCF-style: chr5-112177233-A-G.
Other names: c.5942A>G, p.Asn1981Ser (NM_001127510.3, NM_001354895.2); c.5888A>G, p.Asn1963Ser (NM_001127511.3); c.5996A>G, p.Asn1999Ser (NM_001354896.2); c.5972A>G, p.Asn1991Ser (NM_001354897.2); c.5867A>G, p.Asn1956Ser (NM_001354898.2); c.5858A>G, p.Asn1953Ser (NM_001354899.2); c.5819A>G, p.Asn1940Ser (NM_001354900.2); c.5765A>G, p.Asn1922Ser (NM_001354901.2); and 5 more; short protein forms N1880S, N1953S, N1981S, N1991S, N1821S, N1922S, N1956S, N1890S.
Identifiers: ClinVar variation 647667 (VCV000647667.21), dbSNP rs1233897262, ClinGen allele CA16034336.

ClinVar aggregate classification (germline): Uncertain significance. Review status: criteria provided, multiple submitters, no conflicts (2 of 4 stars). 7 submissions from 7 submitters: Uncertain significance (7). Last evaluated 2026-03-31.

Conditions:
Familial adenomatous polyposis 1 (FAP1). Also called: FAMILIAL ADENOMATOUS POLYPOSIS 1, ATTENUATED; POLYPOSIS, ADENOMATOUS INTESTINAL. Identifiers: MedGen C2713442, MONDO:0021056, OMIM 175100. Disease mechanism: loss of function.
Classic or attenuated familial adenomatous polyposis. Identifiers: MedGen CN372698, MONDO:0021057.
Hereditary cancer-predisposing syndrome. Also called: Hereditary Cancer Syndrome; Hereditary neoplastic syndrome; Tumor predisposition; Neoplastic Syndromes, Hereditary. Identifiers: Orphanet 140162, MedGen C0027672, MeSH D009386, MONDO:0015356.

Allele frequency attached by ClinVar (database versions not stated): gnomAD exomes below 0.00001.
gnomAD v4.1: 6 of 1,614,020 alleles (0.00037%); highest among the groups gnomAD compares: South Asian, 0.0011%; no homozygotes.

Submissions (7):

Dasa
Classification: Uncertain significance. Last evaluated: 2026-03-31. Review status: criteria provided, single submitter. Criteria: DASA Assertion Criteria. Collection method: clinical testing. Allele origin: germline.
Comment: NM_000038.6(APC):c.5942A>G (p.Asn1981Ser) is a missense variant that results in the substitution of asparagine with serine. This variant is rare in population databases. The currently available literature and clinical evidence are not sufficient to establish a definitive association between this variant and the reported condition. Therefore, this variant is classified as a variant of uncertain significance.

Labcorp Genetics (formerly Invitae), Labcorp
Classification: Uncertain significance for Familial adenomatous polyposis 1. Last evaluated: 2026-01-13. Review status: criteria provided, single submitter. Criteria: Invitae Variant Classification Sherloc (09022015). Collection method: clinical testing. Allele origin: germline.
Comment: This sequence change replaces asparagine, which is neutral and polar, with serine, which is neutral and polar, at codon 1981 of the APC protein (p.Asn1981Ser). This variant is present in population databases (no rsID available, gnomAD 0.0009%). This variant has not been reported in the literature in individuals affected with APC-related conditions. ClinVar contains an entry for this variant (Variation ID: 647667). Invitae Evidence Modeling of protein sequence and biophysical properties (such as structural, functional, and spatial information, amino acid conservation, physicochemical variation, residue mobility, and thermodynamic stability) indicates that this missense variant is not expected to disrupt APC protein function with a negative predictive value of 95%. In summary, the available evidence is currently insufficient to determine the role of this variant in disease. Therefore, it has been classified as a Variant of Uncertain Significance.

Ambry Genetics
Classification: Uncertain significance for Hereditary cancer-predisposing syndrome. Last evaluated: 2025-09-10. Review status: criteria provided, single submitter. Criteria: Ambry Variant Classification Scheme 2023. Collection method: clinical testing. Allele origin: germline.
Comment: The p.N1981S variant (also known as c.5942A>G), located in coding exon 15 of the APC gene, results from an A to G substitution at nucleotide position 5942. The asparagine at codon 1981 is replaced by serine, an amino acid with highly similar properties. This amino acid position is not well conserved in available vertebrate species, and serine is the reference amino acid in other vertebrate species. In addition, in silico predictors for this gene do not accurately predict pathogenicity. Since supporting evidence is limited at this time, the clinical significance of this alteration remains unclear.

Color Diagnostics, LLC DBA Color Health
Classification: Uncertain significance for Hereditary cancer-predisposing syndrome. Last evaluated: 2024-03-06. Review status: criteria provided, single submitter. Criteria: ACMG Guidelines, 2015. Collection method: clinical testing. Allele origin: germline.
Comment: This missense variant replaces asparagine with serine at codon 1981 of the APC protein. Computational prediction suggests that this variant may not impact protein structure and function (internally defined REVEL score threshold <= 0.5, PMID: 27666373). To our knowledge, functional studies have not been reported for this variant. This variant has not been reported in individuals affected with APC-related disorders in the literature. This variant has been identified in 1/250482 chromosomes in the general population by the Genome Aggregation Database (gnomAD). The available evidence is insufficient to determine the role of this variant in disease conclusively. Therefore, this variant is classified as a Variant of Uncertain Significance.

Baylor Genetics
Classification: Uncertain significance for Familial adenomatous polyposis 1. Last evaluated: 2024-02-21. Review status: criteria provided, single submitter. Criteria: ACMG Guidelines, 2015. Collection method: clinical testing. Allele origin: unknown.

All of Us Research Program, National Institutes of Health
Classification: Uncertain significance for Classic or attenuated familial adenomatous polyposis. Last evaluated: 2023-10-06. Review status: criteria provided, single submitter. Criteria: ACMG Guidelines, 2015. Collection method: clinical testing. Allele origin: germline. Inheritance: Autosomal dominant inheritance. Observed: 1 variant allele, 1 heterozygote.
Comment: This missense variant replaces asparagine with serine at codon 1981 of the APC protein. Computational prediction suggests that this variant may not impact protein structure and function (internally defined REVEL score threshold <= 0.5, PMID: 27666373). To our knowledge, functional studies have not been reported for this variant. This variant has not been reported in individuals affected with APC-related disorders in the literature. This variant has been identified in 1/250482 chromosomes in the general population by the Genome Aggregation Database (gnomAD). The available evidence is insufficient to determine the role of this variant in disease conclusively. Therefore, this variant is classified as a Variant of Uncertain Significance.

This study involves interpretation of variants in research participants for the purpose of population health screening. Participant phenotype was not available at the time of variant classification. Additional details can be found in publication PMID: 35346344, PMCID: PMC8962531

Mendelics
Classification: Uncertain significance for Familial adenomatous polyposis 1. Last evaluated: 2019-05-28. Review status: criteria provided, single submitter. Criteria: Mendelics Assertion Criteria 2017. Collection method: clinical testing. Allele origin: unknown.